The following is an entry in ClinVar:

NM_032608.7(MYO18B):c.925G>A (p.Val309Ile)

Gene: MYO18B (myosin XVIIIB; plus strand). Cytogenetic location: 22q12.1.
Variant type: single nucleotide variant.
Coding change: c.925G>A on transcript NM_032608.7 (MANE Select); coding-DNA position 925, G replaced by A.
Protein change: p.Val309Ile; replaces valine 309 with isoleucine.
Molecular consequence: missense variant.
Genome position (GRCh38, 1-based): chr22:25,768,841, G>A. VCF-style: chr22-25768841-G-A. GRCh37 (hg19) VCF-style: chr22-26164808-G-A.
Other names: c.925G>A (NM_032608.5, NM_032608.6); c.925G>A, p.Val309Ile (NM_001318245.2); short protein forms V309I.
Identifiers: ClinVar variation 1460671 (VCV001460671.7), dbSNP rs764599538, ClinGen allele CA10159721.

ClinVar aggregate classification (germline): Uncertain significance. Review status: criteria provided, multiple submitters, no conflicts (2 of 4 stars). 3 submissions from 3 submitters: Uncertain significance (3). Last evaluated 2026-07-28.

Conditions:
Inborn genetic diseases. Identifiers: MedGen C0950123, MeSH D030342.
MYO18B-related disorder. Also called: MYO18B-related condition.

Allele frequency attached by ClinVar (database versions not stated): TOPMed below 0.00001; gnomAD 0.00001; ExAC 0.00003.
gnomAD v4.1: 40 of 1,612,372 alleles (0.0025%); highest among the groups gnomAD compares: Non-Finnish European, 0.0024%; no homozygotes.

Submissions (3):

PreventionGenetics, part of Exact Sciences
Classification: Uncertain significance for MYO18B-related condition. Last evaluated: 2026-07-28. Review status: criteria provided, single submitter. Criteria: ACMG Guidelines, 2015. Collection method: clinical testing. Allele origin: germline.
Comment: The MYO18B c.925G>A variant is predicted to result in the amino acid substitution p.Val309Ile. To our knowledge, this variant has not been reported in the literature. This variant is reported in 0.020% of alleles in individuals of Ashkenazi Jewish descent in gnomAD. At this time, the clinical significance of this variant is uncertain due to the absence of conclusive functional and genetic evidence.

Ambry Genetics
Classification: Uncertain significance for Inborn genetic diseases. Last evaluated: 2022-12-05. Review status: criteria provided, single submitter. Criteria: Ambry Variant Classification Scheme 2023. Collection method: clinical testing. Allele origin: germline.

Labcorp Genetics (formerly Invitae), Labcorp
Classification: Uncertain significance. Last evaluated: 2021-09-17. Review status: criteria provided, single submitter. Criteria: Invitae Variant Classification Sherloc (09022015). Collection method: clinical testing. Allele origin: germline.
Comment: This sequence change replaces valine with isoleucine at codon 309 of the MYO18B protein (p.Val309Ile). The valine residue is weakly conserved and there is a small physicochemical difference between valine and isoleucine. This variant is present in population databases (rs764599538, ExAC 0.004%). This variant has not been reported in the literature in individuals affected with MYO18B-related conditions. Algorithms developed to predict the effect of missense changes on protein structure and function are either unavailable or do not agree on the potential impact of this missense change (SIFT: "Not Available"; PolyPhen-2: "Benign"; Align-GVGD: "Not Available"). In summary, the available evidence is currently insufficient to determine the role of this variant in disease. Therefore, it has been classified as a Variant of Uncertain Significance.